The following is an entry in ClinVar:

NM_006239.3(PPEF2):c.1281C>T (p.Ala427=)

Gene: PPEF2 (protein phosphatase with EF-hand domain 2; minus strand). Cytogenetic location: 4q21.1.
Variant type: single nucleotide variant.
Coding change: c.1281C>T on transcript NM_006239.3 (MANE Select); coding-DNA position 1281, C replaced by T.
Protein change: p.Ala427=; no amino-acid change (alanine 427 retained).
Molecular consequence: synonymous variant.
Genome position (GRCh38, 1-based): chr4:75,876,326, G>A on the plus strand (C>T on the coding strand, the complement: PPEF2 is on the minus strand). VCF-style: chr4-75876326-G-A. GRCh37 (hg19) VCF-style: chr4-76797479-G-A.
Identifiers: ClinVar variation 2654826 (VCV002654826.24), dbSNP rs1578005751, ClinGen allele CA439820093.

ClinVar aggregate classification (germline): Likely benign (1 of 4 stars; one submission).

Allele frequency attached by ClinVar (database versions not stated): gnomAD exomes below 0.00001; gnomAD 0.00001.
gnomAD v4.1: 2 of 1,612,888 alleles (0.00012%); highest among the groups gnomAD compares: African/African-American, 0.0013%; no homozygotes.

Submission:

CeGaT Center for Human Genetics Tuebingen
Classification: Likely benign. Last evaluated: 2022-05-01. Review status: criteria provided, single submitter. Criteria: CeGaT Center For Human Genetics Tuebingen Variant Classification Criteria Version 2. Collection method: clinical testing. Allele origin: germline. Affected: yes. Observed: 1 variant allele.
Comment: PPEF2: BP4, BP7